The following is an entry in ClinVar:

ClinVar aggregate classification (germline): Uncertain significance (0 of 4 stars; one submission).

Conditions:
SEMA3D-related disorder. Also called: SEMA3D-related condition.

gnomAD v4.1: 25 of 1,504,022 alleles (0.0017%); highest among the groups gnomAD compares: Middle Eastern, 0.018%; no homozygotes.

Submission:

PreventionGenetics, part of Exact Sciences
Classification: Uncertain significance for SEMA3D-related condition. Last evaluated: 2024-01-31. Review status: no assertion criteria provided. Collection method: clinical testing. Allele origin: germline.
Comment: The SEMA3D c.842G>A variant is predicted to result in the amino acid substitution p.Arg281Gln. To our knowledge, this variant has not been reported in the literature. This variant is reported in 0.0054% of alleles in individuals of East Asian descent in gnomAD. At this time, the clinical significance of this variant is uncertain due to the absence of conclusive functional and genetic evidence.

NM_001384900.1(SEMA3D):c.842G>A (p.Arg281Gln)

Gene: SEMA3D (semaphorin 3D; minus strand). Cytogenetic location: 7q21.11.
Variant type: single nucleotide variant.
Coding change: c.842G>A on transcript NM_001384900.1 (MANE Select); coding-DNA position 842, G replaced by A.
Protein change: p.Arg281Gln; replaces arginine 281 with glutamine.
Molecular consequence: missense variant.
Genome position (GRCh38, 1-based): chr7:85,055,736, C>T on the plus strand (G>A on the coding strand, the complement: SEMA3D is on the minus strand). VCF-style: chr7-85055736-C-T. GRCh37 (hg19) VCF-style: chr7-84685052-C-T.
Other names: c.842G>A, p.Arg281Gln (NM_001384901.1, NM_001384902.1, NM_001384903.1 and 1 more transcripts); short protein forms R281Q.
Identifiers: ClinVar variation 3357041 (VCV003357041.1).